The following is an entry in ClinVar:

NC_000015.10:g.(?_43638998)_(43639062_?)del

Genes: CATSPER2 (cation channel sperm associated 2; minus strand), LOC130056949 (ATAC-STARR-seq lymphoblastoid active region 9317; plus strand). Cytogenetic location: 15q15.3.
Variant type: Deletion.
Other names: NM_172095.1:c.(?_718-34)_(748_?)del; p.?.
Identifiers: ClinVar variation 667392 (VCV000667392.4).

ClinVar aggregate classification (germline): Pathogenic (1 of 4 stars; one submission).

Conditions:
Rare genetic deafness. Identifiers: Orphanet 96210, MedGen C5680250.
Deafness-infertility syndrome. Also called: Deafness and male infertility. Identifiers: Orphanet 94064, MedGen C1970187, MONDO:0012621, OMIM 611102.

Submission:

Laboratory for Molecular Medicine, Mass General Brigham Personalized Medicine
Classification: Pathogenic for Rare genetic deafness; Deafness-infertility syndrome. Last evaluated: 2018-02-24. Review status: criteria provided, single submitter. Criteria: LMM Criteria. Collection method: clinical testing. Allele origin: germline. Inheritance: Autosomal recessive inheritance. Observed: 1 variant allele.
Comment: The exon 7 CATSPER2 deletion was identified by a ddPCR probe targeting exon 7 of CATSPER2 and, at a minimum, encompasses this region in the CATSPER2 gene. Exact breakpoints of the detected deletion could not be determined due to limitations of the testing methodology. Therefore, this assay cannot determine if this vari ant represents a larger deletion encompassing the entire CATSPER2 gene region an d/or whether the neighboring STRC gene is also impacted. Our assay can identify whole gene deletions of STRC and exon level deletions impacting exons 23-25, but due to high STRC/pseudogene sequence homology and the limitations of this assay , we cannot rule out the possibility that this deletion extends into upstream ex ons in STRC that are nearer to CATSPER2. Contiguous gene deletions encompassing both the STRC and CATSPER2 genes have been reported in several individuals with hearing loss (Verpy 2001, Zhang 2007, Knijnenburg 2009, Francey 2011). Homozygou s or compound heterozygous deletions that affect both of these genes are associa ted with deafness and male infertility syndrome (DIS; Zhang 2007). Both copies o f CATSPER2 must be affected for a male individual to have infertility. In additi on, bi-allelic loss of function variants that impact only CATSPER2 have been rep orted in individuals with nonsyndromic autosomal recessive male infertility (Ave narius 2009). In summary, based on the expected effect on the protein and the re ported cases of individuals with deletions and variants impacting the CATSPER2 g ene, this copy number variant meets our criteria to be classified as pathogenic for autosomal recessive male infertility, and given the limitations of this assa y it is unclear if this CNV impacts the neighboring deafness-related STRC gene. ACMG/AMP Criteria applied: PVS1, PM3.

Literature cited by the submitters: PubMed 19344877.